The following is an entry in ClinVar:

NM_000271.5(NPC1):c.2950C>G (p.Pro984Ala)

Gene: NPC1 (NPC intracellular cholesterol transporter 1; minus strand). Cytogenetic location: 18q11.2.
Variant type: single nucleotide variant.
Coding change: c.2950C>G on transcript NM_000271.5 (MANE Select); coding-DNA position 2950, C replaced by G.
Protein change: p.Pro984Ala; replaces proline 984 with alanine.
Molecular consequence: missense variant.
Genome position (GRCh38, 1-based): chr18:23,538,633, G>C on the plus strand (C>G on the coding strand, the complement: NPC1 is on the minus strand). VCF-style: chr18-23538633-G-C. GRCh37 (hg19) VCF-style: chr18-21118597-G-C.
Other names: short protein forms P984A.
Identifiers: ClinVar variation 2075608 (VCV002075608.4), dbSNP rs926820973, ClinGen allele CA297080749.

ClinVar aggregate classification (germline): Uncertain significance (1 of 4 stars; one submission).

Conditions:
Niemann-Pick disease, type C1. Also called: NIEMANN-PICK DISEASE, VARIANT TYPE C1; NEUROVISCERAL STORAGE DISEASE WITH VERTICAL SUPRANUCLEAR OPHTHALMOPLEGIA; NIEMANN-PICK DISEASE WITH CHOLESTEROL ESTERIFICATION BLOCK; NIEMANN-PICK DISEASE WITHOUT SPHINGOMYELINASE DEFICIENCY; NIEMANN-PICK DISEASE, CHRONIC NEURONOPATHIC FORM. Identifiers: Orphanet 646, MedGen C3179455, MONDO:0009757, OMIM 257220.

Submission:

Labcorp Genetics (formerly Invitae), Labcorp
Classification: Uncertain significance for Niemann-Pick disease, type C1. Last evaluated: 2022-10-12. Review status: criteria provided, single submitter. Criteria: Invitae Variant Classification Sherloc (09022015). Collection method: clinical testing. Allele origin: germline.
Comment: In summary, the available evidence is currently insufficient to determine the role of this variant in disease. Therefore, it has been classified as a Variant of Uncertain Significance. Algorithms developed to predict the effect of missense changes on protein structure and function output the following: SIFT: "Tolerated"; PolyPhen-2: "Benign"; Align-GVGD: "Class C0". The alanine amino acid residue is found in multiple mammalian species, which suggests that this missense change does not adversely affect protein function. This variant has not been reported in the literature in individuals affected with NPC1-related conditions. This variant is not present in population databases (gnomAD no frequency). This sequence change replaces proline, which is neutral and non-polar, with alanine, which is neutral and non-polar, at codon 984 of the NPC1 protein (p.Pro984Ala).